The following is an entry in ClinVar:

NM_001267550.2(TTN):c.13282G>A (p.Glu4428Lys)

Gene: TTN (titin; minus strand). Cytogenetic location: 2q31.2.
Variant type: single nucleotide variant.
Coding change: c.13282G>A on transcript NM_001267550.2 (MANE Select); coding-DNA position 13282, G replaced by A.
Protein change: p.Glu4428Lys; replaces glutamic acid 4428 with lysine.
Molecular consequence: missense variant. On other transcripts: intron variant (1).
Genome position (GRCh38, 1-based): chr2:178,739,951, C>T on the plus strand (G>A on the coding strand, the complement: TTN is on the minus strand). VCF-style: chr2-178739951-C-T. GRCh37 (hg19) VCF-style: chr2-179604678-C-T.
Other names: c.12193G>A, p.Glu4065Lys (NM_003319.4); c.12769G>A, p.Glu4257Lys (NM_133437.4); c.10361-1591G>A (NM_133378.4); c.12331G>A, p.Glu4111Lys (NM_001256850.1); c.12568G>A, p.Glu4190Lys (NM_133432.3); short protein forms E4190K, E4428K, E4111K, E4065K, E4257K.
Identifiers: ClinVar variation 166232 (VCV000166232.14), dbSNP rs528766978, ClinGen allele CA179016.
Genomic context (GRCh38, chr2:178,739,951, plus strand): 5'-CCGAAGTAACAAGGTACATGCACATGATGTGTCTGGGCTCTTGGGTGATGTTTACAGCCT[C>T]GACCTCCACCTTTTCAATATTTCTTAGCCACTCAGAGAAAAGACCTGGCTGCTCGCTGGC-3'
Protein context (NP_001254479.2, residues 4418-4438): WLRNIEKVEV[Glu4428Lys]AVNITQEPRH

ClinVar aggregate classification (germline): Conflicting classifications of pathogenicity. Review status: criteria provided, conflicting classifications (1 of 4 stars). 5 submissions from 5 submitters: Uncertain significance (1); Likely benign (4). Last evaluated 2022-06-28.

Conditions:
Dilated cardiomyopathy 1G (CMD1G). Identifiers: Orphanet 154, MedGen C1858763, MONDO:0011400, OMIM 604145.
Autosomal recessive limb-girdle muscular dystrophy type 2J (LGMDR10). Also called: Limb-girdle muscular dystrophy, type 2J; MUSCULAR DYSTROPHY, LIMB-GIRDLE, AUTOSOMAL RECESSIVE 10. Identifiers: Orphanet 140922, MedGen C1837342, MONDO:0012127, OMIM 608807.
Cardiovascular phenotype. Identifiers: MedGen CN230736.
Cardiomyopathy (CMYO). Also called: Cardiomyopathies. Identifiers: Orphanet 167848, MedGen C0878544, MONDO:0004994, HP:0001638. Inheritance: Various modes of inheritance.

Allele frequency attached by ClinVar (database versions not stated): gnomAD exomes 0.00001 and 0.00004; gnomAD 0.00002; ExAC 0.00003; TOPMed 0.00005; 1000 Genomes Project 30x 0.00031; 1000 Genomes Project 0.00040.
gnomAD v4.1: 26 of 1,613,752 alleles (0.0016%); highest among the groups gnomAD compares: African/African-American, 0.0093%; no homozygotes.

Submissions (5):

CHEO Genetics Diagnostic Laboratory, Children's Hospital of Eastern Ontario
Classification: Likely benign for Cardiomyopathy. Last evaluated: 2022-06-28. Review status: criteria provided, single submitter. Criteria: ACMG Guidelines, 2015. Collection method: clinical testing. Allele origin: germline. Study: Canadian Open Genetics Repository.

Ambry Genetics
Classification: Likely benign for Cardiovascular phenotype. Last evaluated: 2020-01-09. Review status: criteria provided, single submitter. Criteria: Ambry Variant Classification Scheme 2023. Collection method: clinical testing. Allele origin: germline.

GeneDx
Classification: Likely benign. Last evaluated: 2019-11-07. Review status: criteria provided, single submitter. Criteria: GeneDx Variant Classification Process June 2021. Collection method: clinical testing. Allele origin: germline. Affected: yes.

Labcorp Genetics (formerly Invitae), Labcorp
Classification: Uncertain significance for Dilated cardiomyopathy 1G; Autosomal recessive limb-girdle muscular dystrophy type 2J. Last evaluated: 2016-08-15. Review status: criteria provided, single submitter. Criteria: Invitae Variant Classification Sherloc (09022015). Collection method: clinical testing. Allele origin: germline.

Laboratory for Molecular Medicine, Mass General Brigham Personalized Medicine
Classification: Likely benign. Last evaluated: 2014-06-19. Review status: criteria provided, single submitter. Criteria: LMM Criteria. Collection method: clinical testing. Allele origin: germline. Observed: 1 variant allele.
Comment: Glu4190Lys in exon 45B of TTN: This variant is not expected to have clinical sig nificance due to a lack of conservation across species, including mammals. Of no te, >40 mammals including several primates (orangutan, gibbon, marmoset, squirre l monkey, and bushbaby) have a lysine (Lys) at this position despite high nearby amino acid conservation.